The following is an entry in ClinVar:

NM_012330.4(KAT6B):c.4994G>A (p.Ser1665Asn)

Gene: KAT6B (lysine acetyltransferase 6B; plus strand). Cytogenetic location: 10q22.2.
Variant type: single nucleotide variant.
Coding change: c.4994G>A on transcript NM_012330.4 (MANE Select); coding-DNA position 4994, G replaced by A.
Protein change: p.Ser1665Asn; replaces serine 1665 with asparagine.
Molecular consequence: missense variant.
Genome position (GRCh38, 1-based): chr10:75,029,818, G>A. VCF-style: chr10-75029818-G-A. GRCh37 (hg19) VCF-style: chr10-76789576-G-A.
Other names: c.4118G>A, p.Ser1373Asn (NM_001370142.1, NM_001256469.2, NM_001370139.1 and 2 more transcripts); c.3929G>A, p.Ser1310Asn (NM_001370143.1, NM_001370144.1); c.4445G>A, p.Ser1482Asn (NM_001256468.2, NM_001370138.1); c.3956G>A, p.Ser1319Asn (NM_001370132.1); c.3305G>A, p.Ser1102Asn (NM_001370133.1); c.2909G>A, p.Ser970Asn (NM_001370134.1); c.2651G>A, p.Ser884Asn (NM_001370135.1); c.4994G>A, p.Ser1665Asn (NM_001370136.1, NM_001370137.1); short protein forms S1319N, S1665N, S1310N, S1373N, S884N, S1482N, S1102N, S970N.
Identifiers: ClinVar variation 2703019 (VCV002703019.3), dbSNP rs2549207663, ClinGen allele CA377299546.

ClinVar aggregate classification (germline): Uncertain significance (1 of 4 stars; one submission).

Conditions:
Genitopatellar syndrome (GTPTS). Also called: Genitopatellar syndrome (GPS); ABSENT PATELLAE, SCROTAL HYPOPLASIA, RENAL ANOMALIES, FACIAL DYSMORPHISM, AND MENTAL RETARDATION. Identifiers: Orphanet 85201, MedGen C1853566, MONDO:0011640, OMIM 606170.

Submission:

Labcorp Genetics (formerly Invitae), Labcorp
Classification: Uncertain significance for Genitopatellar syndrome. Last evaluated: 2023-12-21. Review status: criteria provided, single submitter. Criteria: Invitae Variant Classification Sherloc (09022015). Collection method: clinical testing. Allele origin: germline.
Comment: This sequence change replaces serine, which is neutral and polar, with asparagine, which is neutral and polar, at codon 1665 of the KAT6B protein (p.Ser1665Asn). This variant is not present in population databases (gnomAD no frequency). This variant has not been reported in the literature in individuals affected with KAT6B-related conditions. An algorithm developed to predict the effect of missense changes on protein structure and function (PolyPhen-2) suggests that this variant is likely to be disruptive. In summary, the available evidence is currently insufficient to determine the role of this variant in disease. Therefore, it has been classified as a Variant of Uncertain Significance.